The following is an entry in ClinVar:

ClinVar aggregate classification (germline): Uncertain significance. Review status: criteria provided, multiple submitters, no conflicts (2 of 4 stars). 4 submissions from 4 submitters: Uncertain significance (4). Last evaluated 2025-07-25.

Conditions:
Ataxia-telangiectasia syndrome (AT). Also called: Ataxia-telangiectasia, complementation group D; AT, COMPLEMENTATION GROUP C; Ataxia-telangiectasia, complementation group E; Cerebello-oculocutaneous telangiectasia; Immunodeficiency with ataxia telangiectasia; ATAXIA-TELANGIECTASIA, COMPLEMENTATION GROUP A. Identifiers: Orphanet 100, MedGen C0004135, MONDO:0008840, OMIM 208900.
Hereditary cancer-predisposing syndrome. Also called: Neoplastic Syndromes, Hereditary; Hereditary Cancer Syndrome; Tumor predisposition; Hereditary neoplastic syndrome. Identifiers: Orphanet 140162, MedGen C0027672, MeSH D009386, MONDO:0015356.

Submissions (4):

Quest Diagnostics Nichols Institute San Juan Capistrano
Classification: Uncertain significance. Last evaluated: 2025-07-25. Review status: criteria provided, single submitter. Criteria: Quest Diagnostics criteria. Collection method: clinical testing. Allele origin: unknown.

Ambry Genetics
Classification: Uncertain significance for Hereditary cancer-predisposing syndrome. Last evaluated: 2025-05-21. Review status: criteria provided, single submitter. Criteria: Ambry Variant Classification Scheme 2023. Collection method: clinical testing. Allele origin: germline.
Comment: The p.P829Q variant (also known as c.2486C>A), located in coding exon 16 of the ATM gene, results from a C to A substitution at nucleotide position 2486. The proline at codon 829 is replaced by glutamine, an amino acid with similar properties. This amino acid position is conserved. In addition, this alteration is predicted to be tolerated by in silico analysis. Based on the available evidence, the clinical significance of this variant remains unclear.

Labcorp Genetics (formerly Invitae), Labcorp
Classification: Uncertain significance for Ataxia-telangiectasia syndrome. Last evaluated: 2021-08-27. Review status: criteria provided, single submitter. Criteria: Invitae Variant Classification Sherloc (09022015). Collection method: clinical testing. Allele origin: germline.
Comment: This sequence change replaces proline with glutamine at codon 829 of the ATM protein (p.Pro829Gln). The proline residue is moderately conserved and there is a moderate physicochemical difference between proline and glutamine. This variant is not present in population databases (ExAC no frequency). This variant has not been reported in the literature in individuals affected with ATM-related conditions. ClinVar contains an entry for this variant (Variation ID: 584784). Algorithms developed to predict the effect of missense changes on protein structure and function are either unavailable or do not agree on the potential impact of this missense change (SIFT: "Tolerated"; PolyPhen-2: "Possibly Damaging"; Align-GVGD: "Class C0"). In summary, the available evidence is currently insufficient to determine the role of this variant in disease. Therefore, it has been classified as a Variant of Uncertain Significance.

Mendelics
Classification: Uncertain significance for Ataxia-telangiectasia syndrome. Last evaluated: 2018-07-02. Review status: criteria provided, single submitter. Criteria: Mendelics Assertion Criteria 2017. Collection method: clinical testing. Allele origin: unknown.

NM_000051.4(ATM):c.2486C>A (p.Pro829Gln)

Gene: ATM (ATM serine/threonine kinase; plus strand). Cytogenetic location: 11q22.3.
Variant type: single nucleotide variant.
Coding change: c.2486C>A on transcript NM_000051.4 (MANE Select); coding-DNA position 2486, C replaced by A.
Protein change: p.Pro829Gln; replaces proline 829 with glutamine.
Molecular consequence: missense variant.
Genome position (GRCh38, 1-based): chr11:108,267,190, C>A. VCF-style: chr11-108267190-C-A. GRCh37 (hg19) VCF-style: chr11-108137917-C-A.
Other names: c.2486C>A, p.Pro829Gln (NM_001351834.2); short protein forms P829Q.
Identifiers: ClinVar variation 584784 (VCV000584784.7), dbSNP rs1565416001, ClinGen allele CA382543225.